The following is an entry in ClinVar:

NM_001283009.2(RTEL1):c.1747G>A (p.Glu583Lys)

Genes: RTEL1 (regulator of telomere elongation helicase 1; plus strand), RTEL1-TNFRSF6B (RTEL1-TNFRSF6B readthrough (NMD candidate); plus strand). Cytogenetic location: 20q13.33.
Variant type: single nucleotide variant.
Coding change: c.1747G>A on transcript NM_001283009.2 (MANE Select); coding-DNA position 1747, G replaced by A.
Protein change: p.Glu583Lys; replaces glutamic acid 583 with lysine.
Molecular consequence: missense variant. On other transcripts: non-coding transcript variant (1).
Genome position (GRCh38, 1-based): chr20:63,688,552, G>A. VCF-style: chr20-63688552-G-A. GRCh37 (hg19) VCF-style: chr20-62319905-G-A.
Other names: c.1078G>A, p.Glu360Lys (NM_001283010.1); c.1747G>A, p.Glu583Lys (NM_016434.4); c.1819G>A, p.Glu607Lys (NM_032957.5); short protein forms E360K, E583K, E607K.
Identifiers: ClinVar variation 4863604 (VCV004863604.1).

ClinVar aggregate classification (germline): Uncertain significance (1 of 4 stars; one submission).

Conditions:
Inborn genetic diseases. Identifiers: MedGen C0950123, MeSH D030342.

gnomAD v4.1: 2 of 1,610,782 alleles (0.00012%); highest among the groups gnomAD compares: Non-Finnish European, 0.00017%; no homozygotes.

Submission:

Ambry Genetics
Classification: Uncertain significance for Inborn genetic diseases. Last evaluated: 2026-05-27. Review status: criteria provided, single submitter. Criteria: Ambry Variant Classification Scheme 2023. Collection method: clinical testing. Allele origin: germline.
Comment: The p.E583K variant (also known as c.1747G>A), located in coding exon 20 of the RTEL1 gene, results from a G to A substitution at nucleotide position 1747. The glutamic acid at codon 583 is replaced by lysine, an amino acid with similar properties. This amino acid position is conserved. In addition, the in silico prediction for this alteration is inconclusive. Based on the available evidence, the clinical significance of this variant remains unclear.